The following is an entry in ClinVar:

ClinVar aggregate classification (germline): Uncertain significance. Review status: criteria provided, multiple submitters, no conflicts (2 of 4 stars). 3 submissions from 3 submitters: Uncertain significance (3). Last evaluated 2024-08-11.

Conditions:
Long QT syndrome (LQTS). Identifiers: MedGen C0023976, MeSH D008133, MONDO:0002442. Disease mechanism: loss of function. Inheritance: Various modes of inheritance.
Cardiac arrhythmia, ankyrin-B-related. Also called: ANKYRIN-B SYNDROME. Identifiers: Orphanet 101016, Orphanet 768, MedGen C1970119, MONDO:0010958, OMIM 600919.
Cardiovascular phenotype. Identifiers: MedGen CN230736.

Allele frequency attached by ClinVar (database versions not stated): ExAC 0.00001; gnomAD 0.00001; gnomAD exomes 0.00001; TOPMed 0.00001.
gnomAD v4.1: 6 of 1,613,846 alleles (0.00037%); highest among the groups gnomAD compares: Admixed American, 0.005%; no homozygotes.

Submissions (3):

Labcorp Genetics (formerly Invitae), Labcorp
Classification: Uncertain significance for Long QT syndrome. Last evaluated: 2024-08-11. Review status: criteria provided, single submitter. Criteria: Invitae Variant Classification Sherloc (09022015). Collection method: clinical testing. Allele origin: germline.
Comment: This sequence change replaces isoleucine, which is neutral and non-polar, with asparagine, which is neutral and polar, at codon 3717 of the ANK2 protein (p.Ile3717Asn). This variant is present in population databases (rs747566497, gnomAD 0.006%). This missense change has been observed in individual(s) with left ventricular non-compaction (PMID: 30471092). ClinVar contains an entry for this variant (Variation ID: 238567). Advanced modeling of protein sequence and biophysical properties (such as structural, functional, and spatial information, amino acid conservation, physicochemical variation, residue mobility, and thermodynamic stability) performed at Invitae indicates that this missense variant is not expected to disrupt ANK2 protein function with a negative predictive value of 80%. In summary, the available evidence is currently insufficient to determine the role of this variant in disease. Therefore, it has been classified as a Variant of Uncertain Significance.

Ambry Genetics
Classification: Uncertain significance for Cardiovascular phenotype. Last evaluated: 2021-12-08. Review status: criteria provided, single submitter. Criteria: Ambry Variant Classification Scheme 2023. Collection method: clinical testing. Allele origin: germline.
Comment: The p.I3717N variant (also known as c.11150T>A), located in coding exon 42 of the ANK2 gene, results from a T to A substitution at nucleotide position 11150. The isoleucine at codon 3717 is replaced by asparagine, an amino acid with dissimilar properties. This variant has been reported in a left ventricular non-compaction (LVNC) cohort; however, clinical details were limited (Richard P et al. Clin Genet, 2019 03;95:356-367; Cambon-Viala M et al. J Card Fail, 2021 06;27:677-681). This amino acid position is not well conserved in available vertebrate species. In addition, the in silico prediction for this alteration is inconclusive. Based on its frequency in gnomAD, this variant is unlikely to be causative of ANK2-related arrhythmia; however, its clinical significance for ANK2-related neurodevelopmental disorder is unclear.

Fulgent Genetics
Classification: Uncertain significance for Cardiac arrhythmia, ankyrin-B-related. Last evaluated: 2021-10-08. Review status: criteria provided, single submitter. Criteria: ACMG Guidelines, 2015. Collection method: clinical testing. Allele origin: unknown.

Literature cited by the submitters: PubMed 30471092 (cited by Labcorp Genetics (formerly Invitae), Labcorp and Ambry Genetics); PubMed 28191889 (cited by Ambry Genetics); PubMed 34088380 (cited by Ambry Genetics).

NM_001148.6(ANK2):c.11150T>A (p.Ile3717Asn)

Gene: ANK2 (ankyrin 2; plus strand). Cytogenetic location: 4q26.
Variant type: single nucleotide variant.
Coding change: c.11150T>A on transcript NM_001148.6 (MANE Select); coding-DNA position 11150, T replaced by A.
Protein change: p.Ile3717Asn; replaces isoleucine 3717 with asparagine.
Molecular consequence: missense variant.
Genome position (GRCh38, 1-based): chr4:113,367,683, T>A. VCF-style: chr4-113367683-T-A. GRCh37 (hg19) VCF-style: chr4-114288839-T-A.
Other names: c.4766T>A, p.Ile1589Asn (NM_001354272.2); c.4595T>A, p.Ile1532Asn (NM_001354273.2); c.4661T>A, p.Ile1554Asn (NM_001354274.2, NM_001386154.1); c.4733T>A, p.Ile1578Asn (NM_001354275.2, NM_001354245.2, NM_001354262.2); c.4709T>A, p.Ile1570Asn (NM_001354276.2, NM_001386162.1, NM_001354249.2 and 2 more transcripts); c.4511T>A, p.Ile1504Asn (NM_001354277.2, NM_001386157.1); c.2423T>A, p.Ile808Asn (NM_001354278.2, NM_001354281.2); c.2459T>A, p.Ile820Asn (NM_001354279.2, NM_001354282.2); and 35 more; short protein forms I1623N, I3717N, I1504N, I1577N, I1611N, I1622N, I1658N, I815N.
Identifiers: ClinVar variation 238567 (VCV000238567.9), dbSNP rs747566497, ClinGen allele CA3052237.